The following is an entry in ClinVar:

NM_000091.5(COL4A3):c.1882G>C (p.Gly628Arg)

Genes: COL4A3 (collagen type IV alpha 3 chain; plus strand), MFF-DT (MFF divergent transcript; minus strand). Cytogenetic location: 2q36.3.
Variant type: single nucleotide variant.
Coding change: c.1882G>C on transcript NM_000091.5 (MANE Select); coding-DNA position 1882, G replaced by C.
Protein change: p.Gly628Arg; replaces glycine 628 with arginine.
Molecular consequence: missense variant.
Genome position (GRCh38, 1-based): chr2:227,273,072, G>C. VCF-style: chr2-227273072-G-C. GRCh37 (hg19) VCF-style: chr2-228137788-G-C.
Other names: p.(Gly628Arg); short protein forms G628R.
Identifiers: ClinVar variation 4853854 (VCV004853854.1).

ClinVar aggregate classification (germline): Likely pathogenic (1 of 4 stars; one submission).

Conditions:
Autosomal dominant Alport syndrome (ATS3A). Also called: ALPORT SYNDROME 3A, AUTOSOMAL DOMINANT; Alport syndrome dominant type; Renal failure and sensorineural hearing loss. Identifiers: Orphanet 63, Orphanet 88918, MedGen C5882663, MONDO:0007086, OMIM 104200.

Submission:

Centre de Génétique Humaine, Institut de Pathologie Et de Génétique
Classification: Likely pathogenic for Autosomal dominant Alport syndrome. Last evaluated: 2026-02-26. Review status: criteria provided, single submitter. Criteria: ACMG Guidelines, 2015. Collection method: clinical testing. Allele origin: germline. Inheritance: Autosomal dominant inheritance. Affected: yes. Observed: 1 variant allele, 1 heterozygote. Segregation with disease not observed.
Comment: This missense variant involves a highly conserved glycine located in a ‘Gly-X-Y’ motif in collagenous region, which is characteristic of the pathogenic variants identified in the COL4A3 gene (PM1,PP2). This variant is rare: absent in gnomAD v4.1.0 database (PM2); In silico analysis supports that this missense variant has a deleterious effect (PP3). Another missense variant affecting the same residue described as homozygous LP in a patient with AR Alport S : c.1883G>A, p.(Gly628Asp), PMID: 36177613 (PM5).